The following is an entry in ClinVar:

NM_007294.4(BRCA1):c.5126del (p.Gly1709fs)

Gene: BRCA1 (BRCA1 DNA repair associated; minus strand). Cytogenetic location: 17q21.31.
Variant type: Deletion.
Coding change: c.5126del on transcript NM_007294.4 (MANE Select); coding-DNA position 5126, one base deleted (G; older notation c.5126delG).
Protein change: p.Gly1709fs; shifts the reading frame from glycine 1709.
Molecular consequence: frameshift variant. On other transcripts: non-coding transcript variant (1).
Genome position (GRCh38, 1-based): chr17:43,063,900, C deleted on the plus strand (G on the coding strand, the reverse complement: BRCA1 is on the minus strand); the first of 3 consecutive C bases (chr17:43,063,900-43,063,902); deleting any one gives the same sequence. VCF-style (leftmost placement, unchanged base first): chr17-43063899-TC-T. GRCh37 (hg19) VCF-style: chr17-41215916-TC-T.
Other names: 5245delG; c.5126delG (NM_007294.3); c.5001delG, p.Gly1668Glufs (NM_001407937.1, NM_001407938.1, NM_001407664.1 and 6 more transcripts); c.4998delG, p.Gly1667Glufs (NM_001407939.1, NM_001407940.1, NM_001407670.1 and 10 more transcripts); c.4995delG, p.Gly1666Glufs (NM_001407941.1, NM_001407681.1, NM_001407682.1 and 6 more transcripts); c.4983delG, p.Gly1662Glufs (NM_001407942.1, NM_001407692.1, NM_001407694.1 and 12 more transcripts); c.4980delG, p.Gly1661Glufs (NM_001407943.1, NM_001407944.1, NM_001407945.1 and 21 more transcripts); c.4791delG, p.Gly1598Glufs (NM_001407946.1, NM_001407947.1, NM_001407948.1 and 1 more transcripts); and 76 more; short protein forms G1730fs, G605fs, G1709fs, G1662fs.
Identifiers: ClinVar variation 55408 (VCV000055408.9), dbSNP rs80357874, ClinGen allele CA003254.
Genomic context (GRCh38, chr17:43,063,899, plus strand): 5'-TAAAGGGAGGAGGGGAGAAATAGTATTATACTTACAGAAATAGCTAACTACCCATTTTCC[TC>T]CCGCAATTCCTAGAAAATATTTCAGTGTCCGTTCACACACAAACTCAGCATCTGCAGAAT-3'

ClinVar aggregate classification (germline): Pathogenic. Review status: reviewed by expert panel (3 of 4 stars). 6 submissions from 6 submitters: Pathogenic (1). 5 of the submissions do not count toward it. Last evaluated 2016-09-08.

Conditions:
Hereditary cancer-predisposing syndrome. Also called: Hereditary Cancer Syndrome; Hereditary neoplastic syndrome; Neoplastic Syndromes, Hereditary; Tumor predisposition. Identifiers: Orphanet 140162, MedGen C0027672, MeSH D009386, MONDO:0015356.
Breast-ovarian cancer, familial, susceptibility to, 1 (BROVCA1). Also called: BRCA1 Hereditary Breast and Ovarian Cancer; OVARIAN CANCER, SUSCEPTIBILITY TO. Identifiers: Orphanet 145, MedGen C2676676, MONDO:0011450, OMIM 604370. Disease mechanism: loss of function.

Submissions (6):

Evidence-based Network for the Interpretation of Germline Mutant Alleles (ENIGMA)
Classification: Pathogenic for Breast-ovarian cancer, familial, susceptibility to, 1. Last evaluated: 2016-09-08. Review status: reviewed by expert panel. Criteria: ENIGMA BRCA1/2 Classification Criteria (2015). Collection method: curation. Allele origin: germline.
Comment: Variant allele predicted to encode a truncated non-functional protein.

Baylor Genetics
Classification: Pathogenic for Breast-ovarian cancer, familial, susceptibility to, 1. Last evaluated: 2022-03-30. Review status: criteria provided, single submitter. Criteria: ACMG Guidelines, 2015. Collection method: clinical testing. Allele origin: unknown. Not counted in ClinVar's aggregate classification.

Ambry Genetics
Classification: Pathogenic for Hereditary cancer-predisposing syndrome. Last evaluated: 2022-03-21. Review status: criteria provided, single submitter. Criteria: Ambry Variant Classification Scheme 2023. Collection method: clinical testing. Allele origin: germline. Not counted in ClinVar's aggregate classification.
Comment: The c.5126delG pathogenic mutation, located in coding exon 16 of the BRCA1 gene, results from a deletion of one nucleotide at nucleotide position 5126, causing a translational frameshift with a predicted alternate stop codon (p.G1709Efs*5). This mutation, designated 5245delG, was detected in 1/84 probands with breast and/or ovarian cancer in France (Peyrat JP et al. Eur J Cancer Prev, 1998 Feb;7 Suppl 1:S7-12). In addition to the clinical data presented in the literature, this alteration is expected to result in loss of function by premature protein truncation or nonsense-mediated mRNA decay. As such, this alteration is interpreted as a disease-causing mutation.

GeneDx
Classification: Pathogenic. Last evaluated: 2016-10-25. Review status: criteria provided, single submitter. Criteria: GeneDx Variant Classification (06012015). Collection method: clinical testing. Allele origin: germline. Affected: yes. Not counted in ClinVar's aggregate classification.
Comment: This deletion of one nucleotide in BRCA1 is denoted c.5126delG at the cDNA level and p.Gly1709GlufsX5 (G1709EfsX5) at the protein level. The normal sequence, with the base that is deleted in braces, is GCGG[G]AGGA. The deletion causes a frameshift which changes a Glycine to a Glutamic Acid at codon 1709, and creates a premature stop codon at position 5 of the new reading frame. This variant is predicted to cause loss of normal protein function through either protein truncation or nonsense-mediated mRNA decay. BRCA1 c.5126delG has been reported in at least one individual with breast cancer and a family history of breast and/or ovarian cancer (Peyrat 1998). We consider this variant to be pathogenic.

Consortium of Investigators of Modifiers of BRCA1/2 (CIMBA), c/o University of Cambridge
Classification: Pathogenic for Breast-ovarian cancer, familial, susceptibility to, 1. Last evaluated: 2015-10-02. Review status: criteria provided, single submitter. Criteria: CIMBA Mutation Classification guidelines May 2016. Collection method: clinical testing. Allele origin: germline. Not counted in ClinVar's aggregate classification.

Breast Cancer Information Core (BIC) (BRCA1)
Classification: Pathogenic for Breast-ovarian cancer, familial 1. Review status: no assertion criteria provided. Collection method: clinical testing. Allele origin: germline. Affected: yes. Observed: 1 variant allele. Not counted in ClinVar's aggregate classification.

Literature cited by the submitters: PubMed 10866029 (cited by Ambry Genetics).